The following is an entry in ClinVar:

ClinVar aggregate classification (germline): Uncertain significance. Review status: reviewed by expert panel (3 of 4 stars). 3 submissions from 3 submitters: Uncertain significance (1). 2 of the submissions do not count toward it. Last evaluated 2026-04-20.

Conditions:
Cerebral creatine deficiency syndrome. Also called: Creatine deficiency syndromes. Identifiers: Orphanet 79172, MedGen C5244016, MONDO:0000456.
Deficiency of guanidinoacetate methyltransferase (CCDS2). Also called: GAMT DEFICIENCY; Guanidinoacetate Methyltransferase (GAMT) Deficiency; CEREBRAL CREATINE DEFICIENCY SYNDROME 2. Identifiers: Orphanet 382, MedGen C0574080, MONDO:0012999, OMIM 612736.

Allele frequency attached by ClinVar (database versions not stated): gnomAD exomes 0.00001 and 0.00005; ExAC 0.00006; 1000 Genomes Project 30x 0.00016; gnomAD 0.00001; TOPMed 0.00001; 1000 Genomes Project 0.00020.

Submissions (3):

ClinGen Cerebral Creatine Deficiency Syndromes Variant Curation Expert Panel, ClinGen
Classification: Uncertain significance for Deficiency of guanidinoacetate methyltransferase. Last evaluated: 2026-04-20. Review status: reviewed by expert panel. Criteria: ClinGen CCDS ACMG Specifications GAMT V2.0.0. Collection method: curation. Allele origin: germline. Inheritance: Autosomal recessive inheritance.
Comment: The NM_000156.6:c.331A>C variant in GAMT is a missense variant predicted to cause the substitution of an isoleucine by a leucine at amino acid position 111 (p.Ile111Leu). To our knowledge, this variant has not been reported in the literature and results of functional studies are unavailable. The highest population minor allele frequency in gnomAD v4.1.0. is 0.0003566 (16/44870 alleles) in the East Asian population, which is lower than the CCDS VCEP's threshold for PM2_Supporting (<0.0004), meeting this criterion (PM2_Supporting). The computational predictor REVEL gives a score of 0.215 which is below the threshold of 0.29, evidence that does not predict a damaging effect on GAMT function (BP4). There is a ClinVar entry for this variant (Variation ID: 205566). In summary, this variant meets the criteria to be classified as a variant of uncertain significance for GAMT deficiency based on the GAMT-specific ACMG/AMP criteria applied, as specified by the ClinGen Cerebral Creatine Deficiency Syndromes Variant Curation Expert Panel (Specifications Version 2.0.0): PM2_Supporting, BP4. (Classification approved by the ClinGen Cerebral Creatine Deficiency Syndromes Variant Curation Expert Panel on April 20, 2026).

Labcorp Genetics (formerly Invitae), Labcorp
Classification: Likely benign for Cerebral creatine deficiency syndrome. Last evaluated: 2025-10-20. Review status: criteria provided, single submitter. Criteria: Invitae Variant Classification Sherloc (09022015). Collection method: clinical testing. Allele origin: germline. Not counted in ClinVar's aggregate classification.

GeneDx
Classification: Uncertain significance. Last evaluated: 2025-07-11. Review status: criteria provided, single submitter. Criteria: GeneDx Variant Classification Process June 2021. Collection method: clinical testing. Allele origin: germline. Affected: yes. Not counted in ClinVar's aggregate classification.
Comment: In silico analysis suggests that this missense variant does not alter protein structure/function; Has not been previously published as pathogenic or benign to our knowledge

NM_000156.6(GAMT):c.331A>C (p.Ile111Leu)

Gene: GAMT (guanidinoacetate N-methyltransferase; minus strand). Cytogenetic location: 19p13.3.
Variant type: single nucleotide variant.
Coding change: c.331A>C on transcript NM_000156.6 (MANE Select); coding-DNA position 331, A replaced by C.
Protein change: p.Ile111Leu; replaces isoleucine 111 with leucine.
Molecular consequence: missense variant.
Genome position (GRCh38, 1-based): chr19:1,399,584, T>G on the plus strand (A>C on the coding strand, the complement: GAMT is on the minus strand). VCF-style: chr19-1399584-T-G. GRCh37 (hg19) VCF-style: chr19-1399583-T-G.
Other names: p.I111L:ATC>CTC; NM_000156.6(GAMT):c.331A>C; p.Ile111Leu; c.331A>C, p.Ile111Leu (NM_138924.3); short protein forms I111L.
Identifiers: ClinVar variation 205566 (VCV000205566.8), dbSNP rs201833033, ClinGen allele CA314780.